The following is an entry in ClinVar:

NM_005359.6(SMAD4):c.1207A>G (p.Ser403Gly)

Gene: SMAD4 (SMAD family member 4; plus strand). Cytogenetic location: 18q21.2.
Variant type: single nucleotide variant.
Coding change: c.1207A>G on transcript NM_005359.6 (MANE Select); coding-DNA position 1207, A replaced by G.
Protein change: p.Ser403Gly; replaces serine 403 with glycine.
Molecular consequence: missense variant.
Genome position (GRCh38, 1-based): chr18:51,067,086, A>G. VCF-style: chr18-51067086-A-G. GRCh37 (hg19) VCF-style: chr18-48593456-A-G.
Other names: c.1207A>G (NM_005359.5); short protein forms S403G.
Identifiers: ClinVar variation 1055822 (VCV001055822.10), dbSNP rs2144452187, ClinGen allele CA402464855.

ClinVar aggregate classification (germline): Uncertain significance. Review status: criteria provided, multiple submitters, no conflicts (2 of 4 stars). 2 submissions from 2 submitters: Uncertain significance (2). Last evaluated 2026-08-31.

Conditions:
Hereditary cancer-predisposing syndrome. Also called: Tumor predisposition; Hereditary Cancer Syndrome; Hereditary neoplastic syndrome; Neoplastic Syndromes, Hereditary. Identifiers: Orphanet 140162, MedGen C0027672, MeSH D009386, MONDO:0015356.
Familial thoracic aortic aneurysm and aortic dissection (TAAD). Also called: Thoracic aortic aneurysms and dissections. Identifiers: Orphanet 91387, MedGen C4707243, MONDO:0019625.
Juvenile polyposis syndrome (JPS). Identifiers: Orphanet 2929, MedGen C0345893, MONDO:0017380, OMIM 174900.

Submissions (2):

Ambry Genetics
Classification: Uncertain significance for Hereditary cancer-predisposing syndrome; Familial thoracic aortic aneurysm and aortic dissection. Last evaluated: 2026-08-31. Review status: criteria provided, single submitter. Criteria: Ambry Variant Classification Scheme 2023. Collection method: clinical testing. Allele origin: germline.
Comment: The p.S403G variant (also known as c.1207A>G), located in coding exon 9 of the SMAD4 gene, results from an A to G substitution at nucleotide position 1207. The serine at codon 403 is replaced by glycine, an amino acid with similar properties. This amino acid position is conserved. In addition, this alteration is predicted to be deleterious by in silico analysis. Based on the available evidence, the clinical significance of this variant remains unclear.

Labcorp Genetics (formerly Invitae), Labcorp
Classification: Uncertain significance for Juvenile polyposis syndrome. Last evaluated: 2020-08-19. Review status: criteria provided, single submitter. Criteria: Invitae Variant Classification Sherloc (09022015). Collection method: clinical testing. Allele origin: germline.
Comment: In summary, the available evidence is currently insufficient to determine the role of this variant in disease. Therefore, it has been classified as a Variant of Uncertain Significance. Advanced modeling of protein sequence and biophysical properties (such as structural, functional, and spatial information, amino acid conservation, physicochemical variation, residue mobility, and thermodynamic stability) performed at Invitae indicates that this missense variant is expected to disrupt SMAD4 protein function. This variant has not been reported in the literature in individuals with SMAD4-related conditions. This variant is not present in population databases (ExAC no frequency). This sequence change replaces serine with glycine at codon 403 of the SMAD4 protein (p.Ser403Gly). The serine residue is highly conserved and there is a small physicochemical difference between serine and glycine.